The following is an entry in ClinVar:

NM_005343.4(HRAS):c.282C>G (p.His94Gln)

Genes: HRAS (HRas proto-oncogene, GTPase; minus strand), LRRC56 (leucine rich repeat containing 56; plus strand). Cytogenetic location: 11p15.5.
Variant type: single nucleotide variant.
Coding change: c.282C>G on transcript NM_005343.4 (MANE Select); coding-DNA position 282, C replaced by G.
Protein change: p.His94Gln; replaces histidine 94 with glutamine.
Molecular consequence: missense variant. On other transcripts: 5 prime UTR variant (1).
Genome position (GRCh38, 1-based): chr11:533,774, G>C on the plus strand (C>G on the coding strand, the complement: HRAS is on the minus strand). VCF-style: chr11-533774-G-C. GRCh37 (hg19) VCF-style: chr11-533774-G-C.
Other names: c.282C>G, p.His94Gln (NM_001130442.3, NM_176795.5); c.-38C>G (NM_001318054.2); short protein forms H94Q.
Identifiers: ClinVar variation 852174 (VCV000852174.11), dbSNP rs375893752, ClinGen allele CA378924304.

ClinVar aggregate classification (germline): Uncertain significance. Review status: criteria provided, multiple submitters, no conflicts (2 of 4 stars). 2 submissions from 2 submitters: Uncertain significance (2). Last evaluated 2025-10-29.

Conditions:
Cardiovascular phenotype. Identifiers: MedGen CN230736.
Costello syndrome (CSTLO). Also called: FACIOCUTANEOSKELETAL SYNDROME; HRAS-Related Costello Syndrome; FCS SYNDROME. Identifiers: Orphanet 3071, MedGen C0587248, MONDO:0009026, OMIM 218040.

gnomAD v4.1: 4 of 1,613,328 alleles (0.00025%); highest among the groups gnomAD compares: South Asian, 0.0011%; no homozygotes.

Submissions (2):

Labcorp Genetics (formerly Invitae), Labcorp
Classification: Uncertain significance for Costello syndrome. Last evaluated: 2025-10-29. Review status: criteria provided, single submitter. Criteria: Invitae Variant Classification Sherloc (09022015). Collection method: clinical testing. Allele origin: germline.
Comment: This sequence change replaces histidine, which is basic and polar, with glutamine, which is neutral and polar, at codon 94 of the HRAS protein (p.His94Gln). This variant is not present in population databases (gnomAD no frequency). This variant has not been reported in the literature in individuals affected with HRAS-related conditions. ClinVar contains an entry for this variant (Variation ID: 852174). Invitae Evidence Modeling of protein sequence and biophysical properties (such as structural, functional, and spatial information, amino acid conservation, physicochemical variation, residue mobility, and thermodynamic stability) indicates that this missense variant is not expected to disrupt HRAS protein function with a negative predictive value of 95%. In summary, the available evidence is currently insufficient to determine the role of this variant in disease. Therefore, it has been classified as a Variant of Uncertain Significance.

Ambry Genetics
Classification: Uncertain significance for Cardiovascular phenotype. Last evaluated: 2024-03-10. Review status: criteria provided, single submitter. Criteria: Ambry Variant Classification Scheme 2023. Collection method: clinical testing. Allele origin: germline.
Comment: The p.H94Q variant (also known as c.282C>G), located in coding exon 2 of the HRAS gene, results from a C to G substitution at nucleotide position 282. The histidine at codon 94 is replaced by glutamine, an amino acid with highly similar properties. This amino acid position is conserved. In addition, the in silico prediction for this alteration is inconclusive. Based on the available evidence, the clinical significance of this alteration remains unclear.